The following is an entry in ClinVar:

ClinVar aggregate classification (germline): Benign/Likely benign. Review status: criteria provided, multiple submitters, no conflicts (2 of 4 stars). 3 submissions from 3 submitters: Benign (1); Likely benign (1). 1 of the submissions does not count toward it. Last evaluated 2025-12-11.

Conditions:
KSR2-related disorder. Also called: KSR2-related condition.

Allele frequency attached by ClinVar (database versions not stated): ESP Exome Variant Server 0.00017; 1000 Genomes Project 30x 0.00047; TOPMed 0.00058; 1000 Genomes Project 0.00060; gnomAD 0.00060; gnomAD exomes 0.00087; ExAC 0.00128.
gnomAD v4.1: 1,413 of 1,613,580 alleles (0.088%); highest among the groups gnomAD compares: South Asian, 0.5%; 5 homozygotes.

Submissions (3):

Labcorp Genetics (formerly Invitae), Labcorp
Classification: Benign. Last evaluated: 2025-12-11. Review status: criteria provided, single submitter. Criteria: Invitae Variant Classification Sherloc (09022015). Collection method: clinical testing. Allele origin: germline.

Blueprint Genetics
Classification: Likely benign. Last evaluated: 2024-11-18. Review status: criteria provided, single submitter. Criteria: ACMG Guidelines, 2015. Collection method: clinical testing. Allele origin: germline.

PreventionGenetics, part of Exact Sciences
Classification: Benign for KSR2-related condition. Last evaluated: 2019-08-27. Review status: no assertion criteria provided. Collection method: clinical testing. Allele origin: germline. Not counted in ClinVar's aggregate classification.
Comment: This variant is classified as benign based on ACMG/AMP sequence variant interpretation guidelines (Richards et al. 2015 PMID: 25741868, with internal and published modifications).

NM_173598.6(KSR2):c.1755G>A (p.Pro585=)

Gene: KSR2 (kinase suppressor of ras 2; minus strand). Cytogenetic location: 12q24.22.
Variant type: single nucleotide variant.
Coding change: c.1755G>A on transcript NM_173598.6 (MANE Select); coding-DNA position 1755, G replaced by A.
Protein change: p.Pro585=; no amino-acid change (proline 585 retained).
Molecular consequence: synonymous variant.
Genome position (GRCh38, 1-based): chr12:117,530,988, C>T on the plus strand (G>A on the coding strand, the complement: KSR2 is on the minus strand). VCF-style: chr12-117530988-C-T. GRCh37 (hg19) VCF-style: chr12-117968793-C-T.
Other names: c.1668G>A (NM_173598.4).
Identifiers: ClinVar variation 2739919 (VCV002739919.6), dbSNP rs200159279, ClinGen allele CA6815916.